The following is an entry in ClinVar:

NM_001792.5(CDH2):c.1729G>A (p.Ala577Thr)

Gene: CDH2 (cadherin 2; minus strand). Cytogenetic location: 18q12.1.
Variant type: single nucleotide variant.
Coding change: c.1729G>A on transcript NM_001792.5 (MANE Select); coding-DNA position 1729, G replaced by A.
Protein change: p.Ala577Thr; replaces alanine 577 with threonine.
Molecular consequence: missense variant.
Genome position (GRCh38, 1-based): chr18:27,988,536, C>T on the plus strand (G>A on the coding strand, the complement: CDH2 is on the minus strand). VCF-style: chr18-27988536-C-T. GRCh37 (hg19) VCF-style: chr18-25568500-C-T.
Other names: c.1636G>A, p.Ala546Thr (NM_001308176.2); short protein forms A546T, A577T.
Identifiers: ClinVar variation 2565608 (VCV002565608.2), dbSNP rs1395482543, ClinGen allele CA402107758.

ClinVar aggregate classification (germline): Uncertain significance (1 of 4 stars; one submission).

Conditions:
Inborn genetic diseases. Identifiers: MedGen C0950123, MeSH D030342.

Allele frequency attached by ClinVar (database versions not stated): gnomAD 0.00001; TOPMed 0.00001.
gnomAD v4.1: 1 of 1,612,584 alleles (0.000062%); highest among the groups gnomAD compares: African/African-American, 0.0013%; no homozygotes.

Submission:

Ambry Genetics
Classification: Uncertain significance for Inborn genetic diseases. Last evaluated: 2023-06-11. Review status: criteria provided, single submitter. Criteria: Ambry Variant Classification Scheme 2023. Collection method: clinical testing. Allele origin: germline.
Comment: The p.A577T variant (also known as c.1729G>A), located in coding exon 11 of the CDH2 gene, results from a G to A substitution at nucleotide position 1729. The alanine at codon 577 is replaced by threonine, an amino acid with similar properties. This amino acid position is conserved. In addition, this alteration is predicted to be deleterious by in silico analysis. Since supporting evidence is limited at this time, the clinical significance of this alteration remains unclear.